The following is an entry in ClinVar:

NM_000051.4(ATM):c.8585-17G>A

Genes: ATM (ATM serine/threonine kinase; plus strand), C11orf65 (chromosome 11 open reading frame 65; minus strand). Cytogenetic location: 11q22.3.
Variant type: single nucleotide variant.
Coding change: c.8585-17G>A on transcript NM_000051.4 (MANE Select); 17 bases into the intron before coding-DNA position 8585, G replaced by A.
Molecular consequence: intron variant.
Genome position (GRCh38, 1-based): chr11:108,347,262, G>A. VCF-style: chr11-108347262-G-A. GRCh37 (hg19) VCF-style: chr11-108217989-G-A.
Other names: c.8585-17G>A (NM_001351834.2); c.641-38191C>T (NM_001330368.2); c.695-11970C>T (NM_001351110.2).
Identifiers: ClinVar variation 2742086 (VCV002742086.4), dbSNP rs2547459938, ClinGen allele CA2697558948.

ClinVar aggregate classification (germline): Likely benign. Review status: criteria provided, multiple submitters, no conflicts (2 of 4 stars). 2 submissions from 2 submitters: Likely benign (2). Last evaluated 2025-08-29.

Conditions:
Ataxia-telangiectasia syndrome (AT). Also called: LOUIS-BAR SYNDROME; Cerebello-oculocutaneous telangiectasia; Immunodeficiency with ataxia telangiectasia; Ataxia telangiectasia (A-T); Ataxia-telangiectasia, complementation group D; AT, COMPLEMENTATION GROUP C. Identifiers: Orphanet 100, MedGen C0004135, MONDO:0008840, OMIM 208900.
Familial cancer of breast. Also called: BREAST CANCER, FAMILIAL; Hereditary breast cancer; hereditary breast carcinoma. Identifiers: Orphanet 227535, MedGen C0346153, MONDO:0016419, OMIM 114480. Disease mechanism: loss of function.

Submissions (2):

Labcorp Genetics (formerly Invitae), Labcorp
Classification: Likely benign for Ataxia-telangiectasia syndrome. Last evaluated: 2025-08-29. Review status: criteria provided, single submitter. Criteria: Invitae Variant Classification Sherloc (09022015). Collection method: clinical testing. Allele origin: germline.

Myriad Genetics, Inc.
Classification: Likely benign for Familial cancer of breast. Last evaluated: 2024-06-20. Review status: criteria provided, single submitter. Criteria: Myriad Autosomal Dominant, Autosomal Recessive and X-Linked Classification Criteria (2023). Collection method: clinical testing. Allele origin: unknown.
Comment: This variant is considered likely benign. This variant is intronic and is not expected to impact mRNA splicing.